The following is an entry in ClinVar:

NM_144997.7(FLCN):c.877G>A (p.Glu293Lys)

Gene: FLCN (folliculin; minus strand). Cytogenetic location: 17p11.2.
Variant type: single nucleotide variant.
Coding change: c.877G>A on transcript NM_144997.7 (MANE Select); coding-DNA position 877, G replaced by A.
Protein change: p.Glu293Lys; replaces glutamic acid 293 with lysine.
Molecular consequence: missense variant.
Genome position (GRCh38, 1-based): chr17:17,219,204, C>T on the plus strand (G>A on the coding strand, the complement: FLCN is on the minus strand). VCF-style: chr17-17219204-C-T. GRCh37 (hg19) VCF-style: chr17-17122518-C-T.
Other names: c.931G>A, p.Glu311Lys (NM_001353229.2); c.877G>A, p.Glu293Lys (NM_001353230.2, NM_001353231.2); short protein forms E293K, E311K.
Identifiers: ClinVar variation 2418071 (VCV002418071.8), dbSNP rs2544197400, ClinGen allele CA398533109.

ClinVar aggregate classification (germline): Uncertain significance (1 of 4 stars; one submission).

Conditions:
Birt-Hogg-Dube syndrome. Also called: Birt Hogg Dubé syndrome. Identifiers: Orphanet 122, MedGen C0346010, MONDO:0800444.

Submission:

Labcorp Genetics (formerly Invitae), Labcorp
Classification: Uncertain significance for Birt-Hogg-Dube syndrome. Last evaluated: 2024-06-24. Review status: criteria provided, single submitter. Criteria: Invitae Variant Classification Sherloc (09022015). Collection method: clinical testing. Allele origin: germline.
Comment: This sequence change replaces glutamic acid, which is acidic and polar, with lysine, which is basic and polar, at codon 293 of the FLCN protein (p.Glu293Lys). This variant is not present in population databases (gnomAD no frequency). This variant has not been reported in the literature in individuals affected with FLCN-related conditions. ClinVar contains an entry for this variant (Variation ID: 2418071). Advanced modeling of protein sequence and biophysical properties (such as structural, functional, and spatial information, amino acid conservation, physicochemical variation, residue mobility, and thermodynamic stability) has been performed at Invitae for this missense variant, however the output from this modeling did not meet the statistical confidence thresholds required to predict the impact of this variant on FLCN protein function. In summary, the available evidence is currently insufficient to determine the role of this variant in disease. Therefore, it has been classified as a Variant of Uncertain Significance.